The following is an entry in ClinVar:

NM_033159.4(HYAL1):c.108G>C (p.Trp36Cys)

Gene: HYAL1 (hyaluronidase 1; minus strand). Cytogenetic location: 3p21.31.
Variant type: single nucleotide variant.
Coding change: c.108G>C on transcript NM_033159.4 (MANE Select); coding-DNA position 108, G replaced by C.
Protein change: p.Trp36Cys; replaces tryptophan 36 with cysteine.
Molecular consequence: missense variant. On other transcripts: non-coding transcript variant (1), intron variant (2).
Genome position (GRCh38, 1-based): chr3:50,302,849, C>G on the plus strand (G>C on the coding strand, the complement: HYAL1 is on the minus strand). VCF-style: chr3-50302849-C-G. GRCh37 (hg19) VCF-style: chr3-50340280-C-G.
Other names: c.108G>C, p.Trp36Cys (NM_153281.2, NM_153282.3); c.-27+617G>C (NM_153285.3); c.-213-226G>C (NM_153283.3); c.108G>C (NM_153281.1); short protein forms W36C.
Identifiers: ClinVar variation 1391985 (VCV001391985.6), dbSNP rs782450263, ClinGen allele CA2416013.

ClinVar aggregate classification (germline): Uncertain significance. Review status: criteria provided, multiple submitters, no conflicts (2 of 4 stars). 2 submissions from 2 submitters: Uncertain significance (2). Last evaluated 2025-11-20.

Conditions:
Deficiency of hyaluronoglucosaminidase (MPS9). Also called: Mucopolysaccharidosis type 9; HYALURONIDASE DEFICIENCY; MPS IX. Identifiers: Orphanet 67041, MedGen C1291490, MONDO:0011093, OMIM 601492.

Allele frequency attached by ClinVar (database versions not stated): ExAC 0.00001; gnomAD exomes 0.00001; gnomAD 0.00003; TOPMed 0.00005.
gnomAD v4.1: 8 of 1,613,884 alleles (0.0005%); highest among the groups gnomAD compares: African/African-American, 0.0093%; no homozygotes.

Submissions (2):

Ambry Genetics
Classification: Uncertain significance. Last evaluated: 2025-11-20. Review status: criteria provided, single submitter. Criteria: Ambry Variant Classification Scheme 2023. Collection method: clinical testing. Allele origin: germline.

Labcorp Genetics (formerly Invitae), Labcorp
Classification: Uncertain significance for Deficiency of hyaluronoglucosaminidase. Last evaluated: 2021-08-13. Review status: criteria provided, single submitter. Criteria: Invitae Variant Classification Sherloc (09022015). Collection method: clinical testing. Allele origin: germline.
Comment: This sequence change replaces tryptophan with cysteine at codon 36 of the HYAL1 protein (p.Trp36Cys). The tryptophan residue is highly conserved and there is a large physicochemical difference between tryptophan and cysteine. This variant is present in population databases (rs782450263, ExAC 0.01%). This variant has not been reported in the literature in individuals affected with HYAL1-related conditions. Algorithms developed to predict the effect of missense changes on protein structure and function (SIFT, PolyPhen-2, Align-GVGD) all suggest that this variant is likely to be disruptive. In summary, the available evidence is currently insufficient to determine the role of this variant in disease. Therefore, it has been classified as a Variant of Uncertain Significance.